The following is an entry in ClinVar:

ClinVar aggregate classification (germline): Conflicting classifications of pathogenicity. Review status: criteria provided, conflicting classifications (1 of 4 stars). 11 submissions from 8 submitters: Uncertain significance (8); Likely benign (2). 1 of the submissions does not count toward it. Last evaluated 2024-11-05.

Conditions:
Krabbe disease due to saposin A deficiency. Also called: KRABBE DISEASE, ATYPICAL, DUE TO SAPOSIN A DEFICIENCY; Saposin A Deficiency. Identifiers: Orphanet 487, MedGen C2673266, MONDO:0012720, OMIM 611722.
Combined PSAP deficiency (PSAPD). Also called: PROSAPOSIN DEFICIENCY; COMBINED SAP DEFICIENCY; Encephalopathy due to prosaposin deficiency. Identifiers: Orphanet 139406, MedGen C2673635, MONDO:0012719, OMIM 611721.
Gaucher disease due to saposin C deficiency. Also called: Atypical Gaucher disease due to saposin C deficiency; Saposin C Deficiency. Identifiers: Orphanet 309252, Orphanet 355, MedGen C1864651, MONDO:0012517, OMIM 610539.
Sphingolipid activator protein 1 deficiency. Also called: METACHROMATIC LEUKODYSTROPHY DUE TO CEREBROSIDE SULFATASE ACTIVATOR DEFICIENCY; Metachromatic leukodystrophy due to saposin B deficiency; Saposin B Deficiency. Identifiers: Orphanet 512, MedGen C0268262, MONDO:0009590, OMIM 249900.
Inborn genetic diseases. Identifiers: MedGen C0950123, MeSH D030342.
Metachromatic leukodystrophy (MLD). Also called: METACHROMATIC LEUKOENCEPHALOPATHY; ARSA DEFICIENCY; CEREBROSIDE SULFATASE DEFICIENCY; SULFATIDE LIPIDOSIS; Cerebral sclerosis diffuse metachromatic form; Arylsulfatase A Deficiency. Identifiers: Orphanet 512, MedGen C0023522, MONDO:0018868, OMIM 250100.

Allele frequency attached by ClinVar (database versions not stated): ESP Exome Variant Server 0.00008; gnomAD 0.00010; gnomAD exomes 0.00011 and 0.00013; TOPMed 0.00012; ExAC 0.00015.
gnomAD v4.1: 171 of 1,614,098 alleles (0.011%); highest among the groups gnomAD compares: Middle Eastern, 0.13%; no homozygotes.

Submissions (11):

Blueprint Genetics
Classification: Uncertain significance. Last evaluated: 2024-11-05. Review status: criteria provided, single submitter. Criteria: ACMG Guidelines, 2015. Collection method: clinical testing. Allele origin: germline.

Mayo Clinic Laboratories, Mayo Clinic
Classification: Uncertain significance. Last evaluated: 2023-11-15. Review status: criteria provided, single submitter. Criteria: ACMG Guidelines, 2015. Collection method: clinical testing. Allele origin: germline. Observed: 1 variant allele.
Comment: BP4, PM2_moderate

Revvity Omics, Revvity
Classification: Uncertain significance. Last evaluated: 2023-10-30. Review status: criteria provided, single submitter. Criteria: ACMG Guidelines, 2015. Collection method: clinical testing. Allele origin: germline.

Labcorp Genetics (formerly Invitae), Labcorp
Classification: Uncertain significance for Sphingolipid activator protein 1 deficiency. Last evaluated: 2022-10-24. Review status: criteria provided, single submitter. Criteria: Invitae Variant Classification Sherloc (09022015). Collection method: clinical testing. Allele origin: germline.
Comment: This sequence change replaces threonine, which is neutral and polar, with methionine, which is neutral and non-polar, at codon 391 of the PSAP protein (p.Thr391Met). This variant is present in population databases (rs202125074, gnomAD 0.02%). This variant has not been reported in the literature in individuals affected with PSAP-related conditions. ClinVar contains an entry for this variant (Variation ID: 300514). Advanced modeling of protein sequence and biophysical properties (such as structural, functional, and spatial information, amino acid conservation, physicochemical variation, residue mobility, and thermodynamic stability) performed at Invitae indicates that this missense variant is not expected to disrupt PSAP protein function. In summary, the available evidence is currently insufficient to determine the role of this variant in disease. Therefore, it has been classified as a Variant of Uncertain Significance.

CeGaT Center for Human Genetics Tuebingen
Classification: Likely benign. Last evaluated: 2022-05-01. Review status: criteria provided, single submitter. Criteria: CeGaT Center For Human Genetics Tuebingen Variant Classification Criteria Version 2. Collection method: clinical testing. Allele origin: germline. Affected: yes. Observed: 1 variant allele.
Comment: PSAP: BP4

Ambry Genetics
Classification: Uncertain significance for Inborn genetic diseases. Last evaluated: 2021-10-20. Review status: criteria provided, single submitter. Criteria: Ambry Variant Classification Scheme 2023. Collection method: clinical testing. Allele origin: germline.

Illumina Laboratory Services, Illumina
Classification: Uncertain significance for Krabbe disease due to saposin A deficiency. Last evaluated: 2018-01-13. Review status: criteria provided, single submitter. Criteria: ICSL Variant Classification Criteria 13 December 2019. Collection method: clinical testing. Allele origin: germline.

Illumina Laboratory Services, Illumina
Classification: Likely benign for Gaucher disease due to saposin C deficiency. Last evaluated: 2018-01-13. Review status: criteria provided, single submitter. Criteria: ICSL Variant Classification Criteria 13 December 2019. Collection method: clinical testing. Allele origin: germline.
Comment: This variant was observed in the ICSL laboratory as part of a predisposition screen in an ostensibly healthy population. It had not been previously curated by ICSL or reported in the Human Gene Mutation Database (HGMD: prior to June 1st, 2018), and was therefore a candidate for classification through an automated scoring system. Utilizing variant allele frequency, disease prevalence and penetrance estimates, and inheritance mode, an automated score was calculated to assess if this variant is too frequent to cause the disease. Based on the score and internal cut-off values, a variant classified as likely benign is not then subjected to further curation. The score for this variant resulted in a classification of likely benign for this disease.

Illumina Laboratory Services, Illumina
Classification: Uncertain significance for Sphingolipid activator protein 1 deficiency. Last evaluated: 2018-01-13. Review status: criteria provided, single submitter. Criteria: ICSL Variant Classification Criteria 13 December 2019. Collection method: clinical testing. Allele origin: germline.

Illumina Laboratory Services, Illumina
Classification: Uncertain significance for Combined PSAP deficiency. Last evaluated: 2018-01-13. Review status: criteria provided, single submitter. Criteria: ICSL Variant Classification Criteria 13 December 2019. Collection method: clinical testing. Allele origin: germline.

Natera, Inc.
Classification: Uncertain significance for Metachromatic leukodystrophy. Last evaluated: 2019-10-28. Review status: no assertion criteria provided. Collection method: clinical testing. Allele origin: germline. Not counted in ClinVar's aggregate classification.

NM_002778.4(PSAP):c.1172C>T (p.Thr391Met)

Gene: PSAP (prosaposin; minus strand). Cytogenetic location: 10q22.1.
Variant type: single nucleotide variant.
Coding change: c.1172C>T on transcript NM_002778.4 (MANE Select); coding-DNA position 1172, C replaced by T.
Protein change: p.Thr391Met; replaces threonine 391 with methionine.
Molecular consequence: missense variant.
Genome position (GRCh38, 1-based): chr10:71,819,734, G>A on the plus strand (C>T on the coding strand, the complement: PSAP is on the minus strand). VCF-style: chr10-71819734-G-A. GRCh37 (hg19) VCF-style: chr10-73579491-G-A.
Other names: p.Thr391Met; c.1181C>T, p.Thr394Met (NM_001042465.3); c.1178C>T, p.Thr393Met (NM_001042466.3); short protein forms T394M, T391M, T393M.
Identifiers: ClinVar variation 300514 (VCV000300514.44), dbSNP rs202125074, ClinGen allele CA5547470.